The following is an entry in ClinVar:

ClinVar aggregate classification (germline): Uncertain significance (1 of 4 stars; one submission).

Conditions:
Inborn genetic diseases. Identifiers: MedGen C0950123, MeSH D030342.

Submission:

Ambry Genetics
Classification: Uncertain significance for Inborn genetic diseases. Last evaluated: 2023-11-28. Review status: criteria provided, single submitter. Criteria: Ambry Variant Classification Scheme 2023. Collection method: clinical testing. Allele origin: germline.
Comment: The p.M278I variant (also known as c.834G>A), located in coding exon 8 of the RAD51 gene, results from a G to A substitution at nucleotide position 834. The methionine at codon 278 is replaced by isoleucine, an amino acid with highly similar properties. This amino acid position is conserved. In addition, the in silico prediction for this alteration is inconclusive. Since supporting evidence is limited at this time, the clinical significance of this alteration remains unclear.

NM_002875.5(RAD51):c.834G>A (p.Met278Ile)

Gene: RAD51 (RAD51 recombinase; plus strand). Cytogenetic location: 15q15.1.
Variant type: single nucleotide variant.
Coding change: c.834G>A on transcript NM_002875.5 (MANE Select); coding-DNA position 834, G replaced by A.
Protein change: p.Met278Ile; replaces methionine 278 with isoleucine.
Molecular consequence: missense variant. On other transcripts: intron variant (1).
Genome position (GRCh38, 1-based): chr15:40,729,912, G>A. VCF-style: chr15-40729912-G-A. GRCh37 (hg19) VCF-style: chr15-41022110-G-A.
Other names: c.837G>A, p.Met279Ile (NM_001164269.2, NM_133487.4); c.774+278G>A (NM_001164270.2); short protein forms M278I, M279I.
Identifiers: ClinVar variation 3222872 (VCV003222872.1), dbSNP rs2141883528, ClinGen allele CA391759901.